The following is an entry in ClinVar:

NM_001329943.3(KIAA0586):c.62T>A (p.Leu21His)

Gene: KIAA0586 (KIAA0586; plus strand). Cytogenetic location: 14q23.1.
Variant type: single nucleotide variant.
Coding change: c.62T>A on transcript NM_001329943.3 (MANE Select); coding-DNA position 62, T replaced by A.
Protein change: p.Leu21His; replaces leucine 21 with histidine.
Molecular consequence: missense variant. On other transcripts: intron variant (5).
Genome position (GRCh38, 1-based): chr14:58,428,326, T>A. VCF-style: chr14-58428326-T-A. GRCh37 (hg19) VCF-style: chr14-58895044-T-A.
Other names: c.62T>A, p.Leu21His (NM_001329944.2, NM_001329946.2, NM_001329947.2 and 1 more transcripts); c.-57+689T>A (NM_001244192.2, NM_001244191.2); c.-57+513T>A (NM_001364701.2, NM_001329945.2, NM_001364700.1); c.98T>A, p.Leu33His (NM_001244189.2); c.17T>A, p.Leu6His (NM_001244190.2); short protein forms L21H, L6H, L33H.
Identifiers: ClinVar variation 2116991 (VCV002116991.4), dbSNP rs756253899, ClinGen allele CA7205256.

ClinVar aggregate classification (germline): Uncertain significance (1 of 4 stars; one submission).

Conditions:
Joubert syndrome 23 (JBTS23). Identifiers: Orphanet 475, MedGen C4084822, MONDO:0014664, OMIM 616490.
Short-rib thoracic dysplasia 14 with polydactyly (SRTD14). Identifiers: Orphanet 397715, MedGen C4225286, MONDO:0014688, OMIM 616546.

Allele frequency attached by ClinVar (database versions not stated): gnomAD exomes below 0.00001.
gnomAD v4.1: 2 of 1,613,912 alleles (0.00012%); highest among the groups gnomAD compares: South Asian, 0.0011%; no homozygotes.

Submission:

Labcorp Genetics (formerly Invitae), Labcorp
Classification: Uncertain significance for Joubert syndrome 23; Short-rib thoracic dysplasia 14 with polydactyly. Last evaluated: 2024-03-23. Review status: criteria provided, single submitter. Criteria: Invitae Variant Classification Sherloc (09022015). Collection method: clinical testing. Allele origin: germline.
Comment: This sequence change replaces leucine, which is neutral and non-polar, with histidine, which is basic and polar, at codon 33 of the KIAA0586 protein (p.Leu33His). This variant is present in population databases (rs756253899, gnomAD 0.003%). This variant has not been reported in the literature in individuals affected with KIAA0586-related conditions. ClinVar contains an entry for this variant (Variation ID: 2116991). An algorithm developed to predict the effect of missense changes on protein structure and function (PolyPhen-2) suggests that this variant is likely to be disruptive. In summary, the available evidence is currently insufficient to determine the role of this variant in disease. Therefore, it has been classified as a Variant of Uncertain Significance.